The following is an entry in ClinVar:

NM_020975.6(RET):c.2976G>A (p.Pro992=)

Gene: RET (ret proto-oncogene; plus strand). Cytogenetic location: 10q11.21.
Variant type: single nucleotide variant.
Coding change: c.2976G>A on transcript NM_020975.6 (MANE Select); coding-DNA position 2976, G replaced by A.
Protein change: p.Pro992=; no amino-acid change (proline 992 retained).
Molecular consequence: synonymous variant.
Genome position (GRCh38, 1-based): chr10:43,124,919, G>A. VCF-style: chr10-43124919-G-A. GRCh37 (hg19) VCF-style: chr10-43620367-G-A.
Other names: c.2976G>A, p.Pro992= (NM_000323.2, NM_001406743.1, NM_001406744.1 and 4 more transcripts); c.2214G>A, p.Pro738= (NM_001355216.2); c.2847G>A, p.Pro949= (NM_001406761.1, NM_001406762.1, NM_001406764.1); c.2841G>A, p.Pro947= (NM_001406763.1, NM_001406765.1); c.2688G>A, p.Pro896= (NM_001406766.1, NM_001406767.1, NM_001406770.1); c.2712G>A, p.Pro904= (NM_001406768.1); c.2580G>A, p.Pro860= (NM_001406769.1, NM_001406772.1); c.2538G>A, p.Pro846= (NM_001406771.1, NM_001406773.1); and 10 more.
Identifiers: ClinVar variation 132724 (VCV000132724.26), dbSNP rs528823385, ClinGen allele CA009152.

ClinVar aggregate classification (germline): Benign/Likely benign. Review status: criteria provided, multiple submitters, no conflicts (2 of 4 stars). 13 submissions from 9 submitters: Benign (9); Likely benign (4). Last evaluated 2026-03-19.

Conditions:
Multiple endocrine neoplasia. Identifiers: Orphanet 276161, MedGen C0027662, MONDO:0017169.
Hereditary cancer-predisposing syndrome. Also called: Tumor predisposition; Hereditary neoplastic syndrome; Hereditary Cancer Syndrome; Neoplastic Syndromes, Hereditary. Identifiers: Orphanet 140162, MedGen C0027672, MeSH D009386, MONDO:0015356.
Multiple endocrine neoplasia, type 2 (MEN2). Identifiers: Orphanet 653, MedGen C4048306, MONDO:0019003. Disease mechanism: gain of function.
Multiple endocrine neoplasia type 2B. Also called: MEN IIB; NEUROMATA, MUCOSAL, WITH ENDOCRINE TUMORS; WAGENMANN-FROBOESE SYNDROME; MULTIPLE ENDOCRINE NEOPLASIA, TYPE III; MULTIPLE ENDOCRINE NEOPLASIA, TYPE IIB; MEN 2B. Identifiers: Orphanet 247709, Orphanet 653, MedGen C0025269, MeSH D018814, MONDO:0008082, OMIM 162300.
Hirschsprung disease, susceptibility to, 1 (HSCR1). Also called: RET-Related Hirschsprung Disease. Identifiers: Orphanet 388, MedGen C3888239, MONDO:0007723, OMIM 142623.
Renal hypodysplasia/aplasia 1 (RHDA1). Also called: RENAL APLASIA; HEREDITARY RENAL APLASIA. Identifiers: Orphanet 411709, MedGen C1619700, MONDO:0024519, OMIM 191830.
Pheochromocytoma. Also called: MAX-Related Hereditary Paraganglioma-Pheochromocytoma Syndrome. Identifiers: Orphanet 29072, MedGen C0031511, MONDO:0008233, OMIM 171300, HP:0002666.

Allele frequency attached by ClinVar (database versions not stated): TOPMed 0.00011; ExAC 0.00184; 1000 Genomes Project 30x 0.00515; gnomAD 0.00004 and 0.00048; gnomAD exomes 0.00080 and 0.00167; 1000 Genomes Project 0.00519.
gnomAD v4.1: 1,260 of 1,614,200 alleles (0.078%); highest among the groups gnomAD compares: South Asian, 1.2%; 26 homozygotes.

Submissions (13):

Women's Health and Genetics/Laboratory Corporation of America, LabCorp
Classification: Benign. Last evaluated: 2026-03-19. Review status: criteria provided, single submitter. Criteria: LabCorp Variant Classification Summary - May 2015. Collection method: clinical testing. Allele origin: germline.

Labcorp Genetics (formerly Invitae), Labcorp
Classification: Benign for Multiple endocrine neoplasia, type 2. Last evaluated: 2026-02-03. Review status: criteria provided, single submitter. Criteria: Invitae Variant Classification Sherloc (09022015). Collection method: clinical testing. Allele origin: germline.

KCCC/NGS Laboratory, Kuwait Cancer Control Center
Classification: Benign for Pheochromocytoma. Last evaluated: 2025-02-01. Review status: criteria provided, single submitter. Criteria: ACMG Guidelines, 2015. Collection method: clinical testing. Allele origin: germline. Affected: no.

Blueprint Genetics
Classification: Likely benign. Last evaluated: 2024-09-02. Review status: criteria provided, single submitter. Criteria: ACMG Guidelines, 2015. Collection method: clinical testing. Allele origin: germline.

KCCC/NGS Laboratory, Kuwait Cancer Control Center
Classification: Benign for Multiple endocrine neoplasia type 2B. Last evaluated: 2023-07-07. Review status: criteria provided, single submitter. Criteria: ACMG Guidelines, 2015. Collection method: clinical testing. Allele origin: germline. Affected: yes.

Color Diagnostics, LLC DBA Color Health
Classification: Benign for Multiple endocrine neoplasia, type 2. Last evaluated: 2022-09-29. Review status: criteria provided, single submitter. Criteria: ACMG Guidelines, 2015. Collection method: clinical testing. Allele origin: germline.

Illumina Laboratory Services, Illumina
Classification: Likely benign for Renal hypodysplasia/aplasia 1. Last evaluated: 2018-01-13. Review status: criteria provided, single submitter. Criteria: ICSL Variant Classification Criteria 13 December 2019. Collection method: clinical testing. Allele origin: germline.
Comment: This variant was observed in the ICSL laboratory as part of a predisposition screen in an ostensibly healthy population. It had not been previously curated by ICSL or reported in the Human Gene Mutation Database (HGMD: prior to June 1st, 2018), and was therefore a candidate for classification through an automated scoring system. Utilizing variant allele frequency, disease prevalence and penetrance estimates, and inheritance mode, an automated score was calculated to assess if this variant is too frequent to cause the disease. Based on the score and internal cut-off values, a variant classified as likely benign is not then subjected to further curation. The score for this variant resulted in a classification of likely benign for this disease.

Illumina Laboratory Services, Illumina
Classification: Benign for Multiple endocrine neoplasia. Last evaluated: 2018-01-13. Review status: criteria provided, single submitter. Criteria: ICSL Variant Classification Criteria 13 December 2019. Collection method: clinical testing. Allele origin: germline.
Comment: This variant was observed in the ICSL laboratory as part of a predisposition screen in an ostensibly healthy population. It had not been previously curated by ICSL or reported in the Human Gene Mutation Database (HGMD: prior to June 1st, 2018), and was therefore a candidate for classification through an automated scoring system. Utilizing variant allele frequency, disease prevalence and penetrance estimates, and inheritance mode, an automated score was calculated to assess if this variant is too frequent to cause the disease. Based on the score and internal cut-off values, a variant classified as benign is not then subjected to further curation. The score for this variant resulted in a classification of benign for this disease.

Illumina Laboratory Services, Illumina
Classification: Benign for Hirschsprung disease, susceptibility to, 1. Last evaluated: 2018-01-13. Review status: criteria provided, single submitter. Criteria: ICSL Variant Classification Criteria 13 December 2019. Collection method: clinical testing. Allele origin: germline.
Comment: the same text as in the submission from Illumina Laboratory Services, Illumina above.

Illumina Laboratory Services, Illumina
Classification: Benign for Pheochromocytoma. Last evaluated: 2018-01-13. Review status: criteria provided, single submitter. Criteria: ICSL Variant Classification Criteria 13 December 2019. Collection method: clinical testing. Allele origin: germline.
Comment: the same text as in the submission from Illumina Laboratory Services, Illumina above.

PreventionGenetics, part of Exact Sciences
Classification: Benign. Last evaluated: 2017-05-15. Review status: criteria provided, single submitter. Criteria: ACMG Guidelines, 2015. Collection method: clinical testing. Allele origin: germline.

GeneDx
Classification: Likely benign. Last evaluated: 2016-04-20. Review status: criteria provided, single submitter. Criteria: GeneDx Variant Classification (06012015). Collection method: clinical testing. Allele origin: germline. Affected: yes.
Comment: This variant is considered likely benign or benign based on one or more of the following criteria: it is a conservative change, it occurs at a poorly conserved position in the protein, it is predicted to be benign by multiple in silico algorithms, and/or has population frequency not consistent with disease.

Ambry Genetics
Classification: Likely benign for Hereditary cancer-predisposing syndrome. Last evaluated: 2015-02-23. Review status: criteria provided, single submitter. Criteria: Ambry Variant Classification Scheme 2023. Collection method: clinical testing. Allele origin: germline.